The following is an entry in ClinVar:

NM_020297.4(ABCC9):c.2060C>T (p.Thr687Ile)

Gene: ABCC9 (ATP binding cassette subfamily C member 9; minus strand). Cytogenetic location: 12p12.1.
Variant type: single nucleotide variant.
Coding change: c.2060C>T on transcript NM_020297.4 (MANE Select); coding-DNA position 2060, C replaced by T.
Protein change: p.Thr687Ile; replaces threonine 687 with isoleucine.
Molecular consequence: missense variant.
Genome position (GRCh38, 1-based): chr12:21,875,686, G>A on the plus strand (C>T on the coding strand, the complement: ABCC9 is on the minus strand). VCF-style: chr12-21875686-G-A. GRCh37 (hg19) VCF-style: chr12-22028620-G-A.
Other names: c.2060C>T, p.Thr687Ile (NM_001377273.1, NM_005691.4); c.1196C>T, p.Thr399Ile (NM_001377274.1); short protein forms T687I, T399I.
Identifiers: ClinVar variation 2147178 (VCV002147178.7), dbSNP rs1355749022, ClinGen allele CA384134334.

ClinVar aggregate classification (germline): Uncertain significance. Review status: criteria provided, multiple submitters, no conflicts (2 of 4 stars). 3 submissions from 3 submitters: Uncertain significance (3). Last evaluated 2026-07-26.

Conditions:
Dilated cardiomyopathy 1O (CMD1O). Also called: CARDIOMYOPATHY, DILATED, WITH VENTRICULAR TACHYCARDIA. Identifiers: Orphanet 154, MedGen C1837839, MONDO:0012062, OMIM 608569.
Cardiovascular phenotype. Identifiers: MedGen CN230736.

Allele frequency attached by ClinVar (database versions not stated): gnomAD exomes below 0.00001; TOPMed 0.00001.
gnomAD v4.1: 2 of 1,612,714 alleles (0.00012%); highest among the groups gnomAD compares: Non-Finnish European, 0.00017%; no homozygotes.

Submissions (3):

Ambry Genetics
Classification: Uncertain significance for Cardiovascular phenotype. Last evaluated: 2026-07-26. Review status: criteria provided, single submitter. Criteria: Ambry Variant Classification Scheme 2023. Collection method: clinical testing. Allele origin: germline.
Comment: The p.T687I variant (also known as c.2060C>T), located in coding exon 15 of the ABCC9 gene, results from a C to T substitution at nucleotide position 2060. The threonine at codon 687 is replaced by isoleucine, an amino acid with similar properties. This amino acid position is conserved. In addition, the in silico prediction for this alteration is inconclusive. Based on the available evidence, the clinical significance of this variant remains unclear.

Women's Health and Genetics/Laboratory Corporation of America, LabCorp
Classification: Uncertain significance. Last evaluated: 2025-04-29. Review status: criteria provided, single submitter. Criteria: LabCorp Variant Classification Summary - May 2015. Collection method: clinical testing. Allele origin: germline.

Labcorp Genetics (formerly Invitae), Labcorp
Classification: Uncertain significance for Dilated cardiomyopathy 1O. Last evaluated: 2023-09-06. Review status: criteria provided, single submitter. Criteria: Invitae Variant Classification Sherloc (09022015). Collection method: clinical testing. Allele origin: germline.
Comment: In summary, the available evidence is currently insufficient to determine the role of this variant in disease. Therefore, it has been classified as a Variant of Uncertain Significance. This sequence change replaces threonine, which is neutral and polar, with isoleucine, which is neutral and non-polar, at codon 687 of the ABCC9 protein (p.Thr687Ile). This variant is not present in population databases (gnomAD no frequency). This variant has not been reported in the literature in individuals affected with ABCC9-related conditions. ClinVar contains an entry for this variant (Variation ID: 2147178). Advanced modeling of protein sequence and biophysical properties (such as structural, functional, and spatial information, amino acid conservation, physicochemical variation, residue mobility, and thermodynamic stability) has been performed at Invitae for this missense variant, however the output from this modeling did not meet the statistical confidence thresholds required to predict the impact of this variant on ABCC9 protein function.